The following is an entry in ClinVar:

NM_000541.5(SAG):c.977G>A (p.Gly326Glu)

Gene: SAG (S-antigen visual arrestin; plus strand). Cytogenetic location: 2q37.1.
Variant type: single nucleotide variant.
Coding change: c.977G>A on transcript NM_000541.5 (MANE Select); coding-DNA position 977, G replaced by A.
Protein change: p.Gly326Glu; replaces glycine 326 with glutamic acid.
Molecular consequence: missense variant.
Genome position (GRCh38, 1-based): chr2:233,338,708, G>A. VCF-style: chr2-233338708-G-A. GRCh37 (hg19) VCF-style: chr2-234247354-G-A.
Other names: short protein forms G326E.
Identifiers: ClinVar variation 849471 (VCV000849471.8), dbSNP rs1203359647, ClinGen allele CA351048892.

ClinVar aggregate classification (germline): Uncertain significance. Review status: criteria provided, multiple submitters, no conflicts (2 of 4 stars). 2 submissions from 2 submitters: Uncertain significance (2). Last evaluated 2023-11-14.

Allele frequency attached by ClinVar (database versions not stated): gnomAD 0.00001; gnomAD exomes 0.00001; TOPMed 0.00001.
gnomAD v4.1: 4 of 1,613,830 alleles (0.00025%); highest among the groups gnomAD compares: Non-Finnish European, 0.00034%; no homozygotes.

Submissions (2):

Blueprint Genetics
Classification: Uncertain significance. Last evaluated: 2023-11-14. Review status: criteria provided, single submitter. Criteria: ACMG Guidelines, 2015. Collection method: clinical testing. Allele origin: germline.

Labcorp Genetics (formerly Invitae), Labcorp
Classification: Uncertain significance. Last evaluated: 2022-10-24. Review status: criteria provided, single submitter. Criteria: Invitae Variant Classification Sherloc (09022015). Collection method: clinical testing. Allele origin: germline.
Comment: This sequence change replaces glycine, which is neutral and non-polar, with glutamic acid, which is acidic and polar, at codon 326 of the SAG protein (p.Gly326Glu). This variant is not present in population databases (gnomAD no frequency). This variant has not been reported in the literature in individuals affected with SAG-related conditions. ClinVar contains an entry for this variant (Variation ID: 849471). Advanced modeling of protein sequence and biophysical properties (such as structural, functional, and spatial information, amino acid conservation, physicochemical variation, residue mobility, and thermodynamic stability) performed at Invitae indicates that this missense variant is expected to disrupt SAG protein function. In summary, the available evidence is currently insufficient to determine the role of this variant in disease. Therefore, it has been classified as a Variant of Uncertain Significance.